The following is an entry in ClinVar:

NM_001393392.1(AKR1C2):c.487A>G (p.Ile163Val)

Gene: AKR1C2 (aldo-keto reductase family 1 member C2; minus strand). Cytogenetic location: 10p15.1.
Variant type: single nucleotide variant.
Coding change: c.487A>G on transcript NM_001393392.1 (MANE Select); coding-DNA position 487, A replaced by G.
Protein change: p.Ile163Val; replaces isoleucine 163 with valine.
Molecular consequence: missense variant.
Genome position (GRCh38, 1-based): chr10:4,998,708, T>C on the plus strand (A>G on the coding strand, the complement: AKR1C2 is on the minus strand). VCF-style: chr10-4998708-T-C. GRCh37 (hg19) VCF-style: chr10-5040900-T-C.
Other names: c.409A>G, p.Ile137Val (NM_001321027.2); c.487A>G, p.Ile163Val (NM_001354.6, NM_205845.3); short protein forms I137V, I163V.
Identifiers: ClinVar variation 3731486 (VCV003731486.1).

ClinVar aggregate classification (germline): Uncertain significance (1 of 4 stars; one submission).

Conditions:
46,XY disorder of sex development due to testicular 17,20-desmolase deficiency. Also called: 46,XY SEX REVERSAL 8; MALE PSEUDOHERMAPHRODITISM DUE TO DEFICIENCY OF TESTICULAR 17,20-DESMOLASE; 46,XY SEX REVERSAL 8, MODIFIER OF. Identifiers: Orphanet 443087, MedGen C1839840, MONDO:0013664, OMIM 614279.

gnomAD v4.1: 49 of 1,614,186 alleles (0.003%); highest among the groups gnomAD compares: South Asian, 0.044%; no homozygotes.

Submission:

Neuberg Centre For Genomic Medicine, NCGM
Classification: Uncertain significance for 46,XY disorder of sex development due to testicular 17,20-desmolase deficiency. Last evaluated: 2023-06-22. Review status: criteria provided, single submitter. Criteria: ACMG Guidelines, 2015. Collection method: clinical testing. Allele origin: germline. Inheritance: Autosomal recessive inheritance. Affected: yes.
Comment: The missense c.487A>G (p.Ile163Val) variant in AKR1C2 gene has not been reported previously as a pathogenic variant nor as a benign variant, to our knowledge. The p.Ile163Val variant is present with allele frequency of 0.01% in gnomAD Exomes. This variant has not been submitted to the ClinVar database. Multiple lines of computational evidence (Polyphen - Probably Damaging, SIFT - Damaging and MutationTaster - Disease causing) predict a damaging effect on protein structure and function for this variant. The reference amino acid at this position on AKR1C2 is predicted as conserved by GERP++ and PhyloP across 100 vertebrates. The amino acid Ile at position 163 is changed to a Val changing protein sequence and it might alter its composition and physico-chemical properties. For these reasons, this variant has been classified as a Variant of Uncertain Significance (VUS). In absence of another reportable vaiant in AKR1C2 gene, the molecular diagnosis is not confirmed.